The following is an entry in ClinVar:

ClinVar aggregate classification (germline): Benign. Review status: criteria provided, multiple submitters, no conflicts (2 of 4 stars). 6 submissions from 6 submitters: Benign (6). Last evaluated 2026-02-04.

Conditions:
Autosomal dominant nonsyndromic hearing loss 40. Also called: Deafness, autosomal dominant 40. Identifiers: Orphanet 90635, MedGen C4084708, MONDO:0014603, OMIM 616357.

Allele frequency attached by ClinVar (database versions not stated): 1000 Genomes Project 0.20288; 1000 Genomes Project 30x 0.21299; gnomAD exomes 0.22544 and 0.24478; ExAC 0.23428; TOPMed 0.26439; gnomAD 0.26883 and 0.27780; ESP Exome Variant Server 0.28751.
gnomAD v4.1: 396,695 of 1,609,228 alleles (25%); highest among the groups gnomAD compares: African/African-American, 36%; 52,194 homozygotes.

Submissions (6):

Labcorp Genetics (formerly Invitae), Labcorp
Classification: Benign. Last evaluated: 2026-02-04. Review status: criteria provided, single submitter. Criteria: Invitae Variant Classification Sherloc (09022015). Collection method: clinical testing. Allele origin: germline.

Genome-Nilou Lab
Classification: Benign for Autosomal dominant nonsyndromic hearing loss 40. Last evaluated: 2021-07-30. Review status: criteria provided, single submitter. Criteria: ACMG Guidelines, 2015. Collection method: clinical testing. Allele origin: germline. Affected: no.

GeneDx
Classification: Benign. Last evaluated: 2018-06-24. Review status: criteria provided, single submitter. Criteria: GeneDx Variant Classification Process June 2021. Collection method: clinical testing. Allele origin: germline. Affected: yes.

Laboratory for Molecular Medicine, Mass General Brigham Personalized Medicine
Classification: Benign. Last evaluated: 2012-05-07. Review status: criteria provided, single submitter. Criteria: LMM Criteria. Collection method: clinical testing. Allele origin: germline. Observed: 256 variant alleles.
Comment: 325-12T>C in Intron 04 of CRYM: This variant is not expected to have clinical si gnificance because it has been identified in 36.1% (1351/3738) of African Americ an chromosomes from a broad population by the NHLBI Exome Sequencing Project (dbSNP rs226045).

Breakthrough Genomics
Classification: Benign. Review status: criteria provided, single submitter. Criteria: ACMG Guidelines, 2015. Collection method: not provided. Allele origin: germline. Inheritance: Autosomal dominant inheritance. Affected: yes.

PreventionGenetics, part of Exact Sciences
Classification: Benign. Review status: criteria provided, single submitter. Criteria: ACMG Guidelines, 2015. Collection method: clinical testing. Allele origin: germline.

NM_001376256.1(CRYM):c.325-12T>C

Gene: CRYM (crystallin mu; minus strand). Cytogenetic location: 16p12.2.
Variant type: single nucleotide variant.
Coding change: c.325-12T>C on transcript NM_001376256.1 (MANE Select); 12 bases into the intron before coding-DNA position 325, T replaced by C.
Molecular consequence: intron variant.
Genome position (GRCh38, 1-based): chr16:21,275,606, A>G on the plus strand (T>C on the coding strand, the complement: CRYM is on the minus strand). VCF-style: chr16-21275606-A-G. GRCh37 (hg19) VCF-style: chr16-21286927-A-G.
Other names: c.325-12T>C (NM_001888.5).
Identifiers: ClinVar variation 44237 (VCV000044237.19), dbSNP rs226045, ClinGen allele CA133794.